The following is an entry in ClinVar:

NM_021224.6(ZNF462):c.97C>A (p.Pro33Thr)

Gene: ZNF462 (zinc finger protein 462; plus strand). Cytogenetic location: 9q31.2.
Variant type: single nucleotide variant.
Coding change: c.97C>A on transcript NM_021224.6 (MANE Select); coding-DNA position 97, C replaced by A.
Protein change: p.Pro33Thr; replaces proline 33 with threonine.
Molecular consequence: missense variant.
Genome position (GRCh38, 1-based): chr9:106,923,480, C>A. VCF-style: chr9-106923480-C-A. GRCh37 (hg19) VCF-style: chr9-109685761-C-A.
Other names: c.97C>A, p.Pro33Thr (NM_001347997.2); short protein forms P33T.
Identifiers: ClinVar variation 4076566 (VCV004076566.1).

ClinVar aggregate classification (germline): Uncertain significance (1 of 4 stars; one submission).

gnomAD v4.1: 1 of 1,614,178 alleles (0.000062%); highest among the groups gnomAD compares: Non-Finnish European, 0.000085%; no homozygotes.

Submission:

GeneDx
Classification: Uncertain significance. Last evaluated: 2025-02-25. Review status: criteria provided, single submitter. Criteria: GeneDx Variant Classification Process June 2021. Collection method: clinical testing. Allele origin: germline. Affected: yes.
Comment: Not observed at significant frequency in large population cohorts (gnomAD); In silico analysis indicates that this missense variant does not alter protein structure/function; Has not been previously published as pathogenic or benign to our knowledge